The following is an entry in ClinVar:

ClinVar aggregate classification (germline): Likely pathogenic (0 of 4 stars; one submission).

Conditions:
Pyruvate dehydrogenase E1-alpha deficiency (PDHAD). Also called: ATAXIA, INTERMITTENT, WITH PYRUVATE DEHYDROGENASE DEFICIENCY; ATAXIA WITH LACTIC ACIDOSIS I; ATAXIA, INTERMITTENT, WITH ABNORMAL PYRUVATE METABOLISM; Ataxia, intermittent, with pyruvate dehydrogenase, or decarboxylase, deficiency. Identifiers: Orphanet 79243, MedGen C1839413, MONDO:0010717, OMIM 312170.

Submission:

PDHA1 Study Group, University Children’s Hospital, Paracelsus Medical University
Classification: Likely pathogenic for Pyruvate dehydrogenase E1-alpha deficiency. Last evaluated: 2024-10-15. Review status: no assertion criteria provided. Collection method: research. Allele origin: germline. Affected: yes. Observed: 1 variant allele.
Comment: The NM_000284.3:c.301T>C (p.Cys101Arg) substitution is a missense variant in PDHA1 gene. The variant has been reported in 1 published case (PMIDs: 23021068, 8352855). Last literature search: July 12, 2024. This variant is absent or extremely rare in population-based cohorts in the Genome Aggregation Database (gnomAD). Individuals harboring this variant presented with clinical features compatible with PDHA1-related PDHc deficiency. In summary, this variant meets criteria to be classified as likely pathogenic (LP) for PDHA1-related PDHc deficiency based on the ACMG/AMP criteria applied: PM1, PM2, PM5, PM7, PP3 (last assessment October 15, 2024).

Literature cited by the submitters: PubMed 23021068; PubMed 8352855; DOI 10.1093/brain/awaf430.

NM_000284.4(PDHA1):c.301T>C (p.Cys101Arg)

Gene: PDHA1 (pyruvate dehydrogenase E1 subunit alpha 1; plus strand). Cytogenetic location: Xp22.12.
Variant type: single nucleotide variant.
Coding change: c.301T>C on transcript NM_000284.4 (MANE Select); coding-DNA position 301, T replaced by C.
Protein change: p.Cys101Arg; replaces cysteine 101 with arginine.
Molecular consequence: missense variant.
Genome position (GRCh38, 1-based): chrX:19,351,290, T>C. VCF-style: chrX-19351290-T-C. GRCh37 (hg19) VCF-style: chrX-19369408-T-C.
Other names: c.415T>C, p.Cys139Arg (NM_001173454.2); c.322T>C, p.Cys108Arg (NM_001173455.2); c.301T>C, p.Cys101Arg (NM_001173456.2); short protein forms C101R, C108R, C139R.
Identifiers: ClinVar variation 4070307 (VCV004070307.1).
Genomic context (GRCh38, chrX:19,351,290, plus strand): 5'-TTTAGAAACATGTATCATATTGCCTCATAGTTTCTCCTTCCTCTAACACAGGAAGCTTGC[T>C]GTGTGGGCCTGGAGGCCGGCATCAACCCCACAGACCATCTCATCACAGCCTACCGGGCTC-3'
Protein context (NP_000275.1, residues 91-111): CHLCDGQEAC[Cys101Arg]VGLEAGINPT